The following is an entry in ClinVar:

ClinVar aggregate classification (germline): Uncertain significance (1 of 4 stars; one submission).

Conditions:
Adenylosuccinate lyase deficiency (ADSLD). Also called: ADSL DEFICIENCY. Identifiers: Orphanet 46, MedGen C0268126, MONDO:0007068, OMIM 103050.

Submission:

Labcorp Genetics (formerly Invitae), Labcorp
Classification: Uncertain significance for Adenylosuccinate lyase deficiency. Last evaluated: 2025-01-29. Review status: criteria provided, single submitter. Criteria: Invitae Variant Classification Sherloc (09022015). Collection method: clinical testing. Allele origin: germline.
Comment: This variant occurs in a non-coding region of the ADSL gene. It does not change the encoded amino acid sequence of the ADSL protein. This variant is present in population databases (rs181976442, gnomAD 0.06%). This variant has not been reported in the literature in individuals affected with ADSL-related conditions. Experimental studies and prediction algorithms are not available or were not evaluated, and the functional significance of this variant is currently unknown. In summary, the available evidence is currently insufficient to determine the role of this variant in disease. Therefore, it has been classified as a Variant of Uncertain Significance.

NC_000022.11:g.40346402G>C

Gene: ADSL (adenylosuccinate lyase; plus strand). Cytogenetic location: 22q13.1.
Variant type: single nucleotide variant.
Genome position: GRCh38 VCF-style: chr22-40346402-G-C. GRCh37 (hg19) VCF-style: chr22-40742406-G-C.
Identifiers: ClinVar variation 1442736 (VCV001442736.4), dbSNP rs181976442, ClinGen allele CA324446863.